The following is an entry in ClinVar:

NM_153704.6(TMEM67):c.25G>A (p.Val9Met)

Gene: TMEM67 (transmembrane protein 67; plus strand). Cytogenetic location: 8q22.1.
Variant type: single nucleotide variant.
Coding change: c.25G>A on transcript NM_153704.6 (MANE Select); coding-DNA position 25, G replaced by A.
Protein change: p.Val9Met; replaces valine 9 with methionine.
Molecular consequence: missense variant. On other transcripts: non-coding transcript variant (1), intron variant (1).
Genome position (GRCh38, 1-based): chr8:93,754,939, G>A. VCF-style: chr8-93754939-G-A. GRCh37 (hg19) VCF-style: chr8-94767167-G-A.
Other names: p.Val9Met; c.-180+30G>A (NM_001142301.1); short protein forms V9M.
Identifiers: ClinVar variation 193507 (VCV000193507.24), dbSNP rs199961375, ClinGen allele CA200630.
Genomic context (GRCh38, chr8:93,754,939, plus strand): 5'-GGGGCTGGAGGCTGTGAGGCTTCCAGCGTCGGTACCATGGCGACGCGCGGTGGGGCTGGG[G>A]TGGCAATGGCGGTTTGGTCCCTCTTATCCGCCCGGGCCGTGACCGCGTTCCTTCTGTTGT-3'
Protein context (NP_714915.3, residues 1-19): MATRGGAG[Val9Met]AMAVWSLLSA

ClinVar aggregate classification (germline): Benign/Likely benign. Review status: criteria provided, multiple submitters, no conflicts (2 of 4 stars). 8 submissions from 8 submitters: Benign (3); Likely benign (4). 1 of the submissions does not count toward it. Last evaluated 2026-02-02.

Conditions:
Nephronophthisis 11 (NPHP11). Identifiers: Orphanet 84081, MedGen C3150796, MONDO:0013302, OMIM 613550.
Meckel syndrome, type 3 (MKS3). Also called: MECKEL-GRUBER SYNDROME, TYPE 3. Identifiers: Orphanet 564, MedGen C1846357, MONDO:0011821, OMIM 607361.
RHYNS syndrome. Also called: RETINITIS PIGMENTOSA SYNDROME; RETINITIS PIGMENTOSA, HYPOPITUITARISM, NEPHRONOPHTHISIS, AND MILD SKELETAL DYSPLASIA. Identifiers: Orphanet 140976, MedGen C1865794, MONDO:0011202, OMIM 602152.
Bardet-Biedl syndrome 14 (BBS14). Identifiers: Orphanet 110, MedGen C2673874, MONDO:0014442, OMIM 615991.
Joubert syndrome 6 (JBTS6). Identifiers: Orphanet 475, MedGen C1853153, MONDO:0012539, OMIM 610688.
COACH syndrome 1. Identifiers: Orphanet 1454, MedGen C5435651, MONDO:0800103, OMIM 216360, MONDO:0008996.
TMEM67-related disorder. Also called: TMEM67-related condition; TMEM67-related disorders. Identifiers: MedGen CN239423.
Meckel-Gruber syndrome. Also called: Dysencephalia splachnocystica; DYSENCEPHALIA SPLANCHNOCYSTICA; GRUBER SYNDROME. Identifiers: Orphanet 564, MedGen C0265215, MONDO:0018921.
Joubert syndrome. Also called: Familial aplasia of the vermis; JOUBERT-BOLTSHAUSER SYNDROME. Identifiers: Orphanet 475, MedGen C5979921, MONDO:0018772.
Joubert syndrome 1 (JBTS1). Also called: CEREBELLOPARENCHYMAL DISORDER IV; Cerebellooculorenal syndrome 1. Identifiers: MedGen C4551568, MONDO:0008944, OMIM 213300.

Allele frequency attached by ClinVar (database versions not stated): gnomAD exomes 0.00045 and 0.00016; ExAC 0.00055; 1000 Genomes Project 0.00200; TOPMed 0.00207; gnomAD 0.00210 and 0.00225; 1000 Genomes Project 30x 0.00219; ESP Exome Variant Server 0.00254.
gnomAD v4.1: 559 of 1,614,042 alleles (0.035%); highest among the groups gnomAD compares: African/African-American, 0.69%; no homozygotes.

Submissions (8):

Labcorp Genetics (formerly Invitae), Labcorp
Classification: Benign for Joubert syndrome; Meckel-Gruber syndrome. Last evaluated: 2026-02-02. Review status: criteria provided, single submitter. Criteria: Invitae Variant Classification Sherloc (09022015). Collection method: clinical testing. Allele origin: germline.

Mayo Clinic Laboratories, Mayo Clinic
Classification: Likely benign. Last evaluated: 2025-08-27. Review status: criteria provided, single submitter. Criteria: ACMG Guidelines, 2015. Collection method: clinical testing. Allele origin: germline. Observed: 3 variant alleles.
Comment: BS1

Blueprint Genetics
Classification: Likely benign. Last evaluated: 2024-08-28. Review status: criteria provided, single submitter. Criteria: ACMG Guidelines, 2015. Collection method: clinical testing. Allele origin: germline.

Fulgent Genetics
Classification: Likely benign for COACH syndrome 1; RHYNS syndrome; Meckel syndrome, type 3; Joubert syndrome 6; Nephronophthisis 11; Bardet-Biedl syndrome 14. Last evaluated: 2021-07-07. Review status: criteria provided, single submitter. Criteria: ACMG Guidelines, 2015. Collection method: clinical testing. Allele origin: unknown.

GeneDx
Classification: Likely benign. Last evaluated: 2020-11-18. Review status: criteria provided, single submitter. Criteria: GeneDx Variant Classification Process June 2021. Collection method: clinical testing. Allele origin: germline. Affected: yes.
Comment: This variant is associated with the following publications: (PMID: 25412400)

Mendelics
Classification: Benign for Joubert syndrome 1. Last evaluated: 2019-05-28. Review status: criteria provided, single submitter. Criteria: Mendelics Assertion Criteria 2017. Collection method: clinical testing. Allele origin: unknown.

Eurofins Ntd Llc (ga)
Classification: Benign. Last evaluated: 2015-01-14. Review status: criteria provided, single submitter. Criteria: EGL Classification Definitions 2015. Collection method: clinical testing. Allele origin: germline. Observed: 1 variant allele, 1 heterozygote.

PreventionGenetics, part of Exact Sciences
Classification: Likely benign for TMEM67-related condition. Last evaluated: 2020-02-17. Review status: no assertion criteria provided. Collection method: clinical testing. Allele origin: germline. Not counted in ClinVar's aggregate classification.
Comment: This variant is classified as likely benign based on ACMG/AMP sequence variant interpretation guidelines (Richards et al. 2015 PMID: 25741868, with internal and published modifications).

Literature cited by the submitters: PubMed 25412400 (cited by Mayo Clinic Laboratories, Mayo Clinic); PubMed 30476936 (cited by Mayo Clinic Laboratories, Mayo Clinic); PubMed 31308072 (cited by Mayo Clinic Laboratories, Mayo Clinic).